The following is an entry in ClinVar:

NM_003978.5(PSTPIP1):c.433G>A (p.Glu145Lys)

Gene: PSTPIP1 (proline-serine-threonine phosphatase interacting protein 1; plus strand). Cytogenetic location: 15q24.3.
Variant type: single nucleotide variant.
Coding change: c.433G>A on transcript NM_003978.5 (MANE Select); coding-DNA position 433, G replaced by A.
Protein change: p.Glu145Lys; replaces glutamic acid 145 with lysine.
Molecular consequence: missense variant. On other transcripts: non-coding transcript variant (1).
Genome position (GRCh38, 1-based): chr15:77,028,569, G>A. VCF-style: chr15-77028569-G-A. GRCh37 (hg19) VCF-style: chr15-77320910-G-A.
Other names: c.433G>A, p.Glu145Lys (NM_001321135.2, NM_001411086.1); c.406G>A, p.Glu136Lys (NM_001321136.2); c.628G>A, p.Glu210Lys (NM_001321137.1); short protein forms E210K, E136K, E145K.
Identifiers: ClinVar variation 2770623 (VCV002770623.3), dbSNP rs765158033, ClinGen allele CA7675825.

ClinVar aggregate classification (germline): Uncertain significance (1 of 4 stars; one submission).

Conditions:
Pyogenic arthritis-pyoderma gangrenosum-acne syndrome (PAPA). Also called: FAMILIAL RECURRENT ARTHRITIS; PAPA SYNDROME. Identifiers: Orphanet 69126, MedGen C1858361, MONDO:0011462, OMIM 604416.

Allele frequency attached by ClinVar (database versions not stated): TOPMed below 0.00001; ExAC 0.00002.
gnomAD v4.1: 1 of 1,602,070 alleles (0.000062%); highest among the groups gnomAD compares: Non-Finnish European, 0.000085%; no homozygotes.

Submission:

Labcorp Genetics (formerly Invitae), Labcorp
Classification: Uncertain significance for Pyogenic arthritis-pyoderma gangrenosum-acne syndrome. Last evaluated: 2023-10-22. Review status: criteria provided, single submitter. Criteria: Invitae Variant Classification Sherloc (09022015). Collection method: clinical testing. Allele origin: germline.
Comment: This sequence change replaces glutamic acid, which is acidic and polar, with lysine, which is basic and polar, at codon 145 of the PSTPIP1 protein (p.Glu145Lys). The frequency data for this variant in the population databases is considered unreliable, as metrics indicate poor data quality at this position in the gnomAD database. This variant has not been reported in the literature in individuals affected with PSTPIP1-related conditions. Advanced modeling of protein sequence and biophysical properties (such as structural, functional, and spatial information, amino acid conservation, physicochemical variation, residue mobility, and thermodynamic stability) performed at Invitae indicates that this missense variant is not expected to disrupt PSTPIP1 protein function. In summary, the available evidence is currently insufficient to determine the role of this variant in disease. Therefore, it has been classified as a Variant of Uncertain Significance.